The following is an entry in ClinVar:

ClinVar aggregate classification (germline): Uncertain significance. Review status: criteria provided, multiple submitters, no conflicts (2 of 4 stars). 3 submissions from 3 submitters: Uncertain significance (3). Last evaluated 2025-04-23.

Conditions:
RYR1-related disorder. Also called: RYR1-related condition; RYR1-related disorders. Identifiers: MedGen CN239331.
Malignant hyperthermia, susceptibility to, 1 (MHS1). Also called: Anesthesia related hyperthermia; Malignant hyperpyrexia; Fulminating hyperpyrexia; Pharmacogenic myopathy; Malignant hyperthermia suceptibility 1; RYR1-Related Malignant Hyperthermia Susceptibility. Identifiers: Orphanet 423, MedGen C2930980, MONDO:0007783, OMIM 145600.

Allele frequency attached by ClinVar (database versions not stated): gnomAD exomes 0.00001; TOPMed 0.00001; gnomAD 0.00001.
gnomAD v4.1: 5 of 1,614,016 alleles (0.00031%); highest among the groups gnomAD compares: African/African-American, 0.0067%; no homozygotes.

Submissions (3):

Dasa
Classification: Uncertain significance. Last evaluated: 2025-04-23. Review status: criteria provided, single submitter. Criteria: DASA Assertion Criteria. Collection method: clinical testing. Allele origin: germline.
Comment: NM_000540.3(RYR1):c.3332A>T (p.Asp1111Val) is a missense variant that results in the substitution of aspartic acid with valine. This variant is rare in population databases. The currently available literature and clinical evidence are not sufficient to establish a definitive association between this variant and the reported condition. Therefore, this variant is classified as a variant of uncertain significance.

All of Us Research Program, National Institutes of Health
Classification: Uncertain significance for Malignant hyperthermia, susceptibility to, 1. Last evaluated: 2024-08-06. Review status: criteria provided, single submitter. Criteria: ACMG Guidelines, 2015. Collection method: clinical testing. Allele origin: germline. Inheritance: Autosomal dominant inheritance. Observed: 2 variant alleles, 2 heterozygotes.
Comment: This study involves interpretation of variants in research participants for the purpose of population health screening. Participant phenotype was not available at the time of variant classification. Additional details can be found in publication PMID: 35346344, PMCID: PMC8962531

Labcorp Genetics (formerly Invitae), Labcorp
Classification: Uncertain significance for RYR1-related disorder. Last evaluated: 2023-08-30. Review status: criteria provided, single submitter. Criteria: Invitae Variant Classification Sherloc (09022015). Collection method: clinical testing. Allele origin: germline.
Comment: In summary, the available evidence is currently insufficient to determine the role of this variant in disease. Therefore, it has been classified as a Variant of Uncertain Significance. Advanced modeling of protein sequence and biophysical properties (such as structural, functional, and spatial information, amino acid conservation, physicochemical variation, residue mobility, and thermodynamic stability) has been performed at Invitae for this missense variant, however the output from this modeling did not meet the statistical confidence thresholds required to predict the impact of this variant on RYR1 protein function. ClinVar contains an entry for this variant (Variation ID: 1000607). This variant has not been reported in the literature in individuals affected with RYR1-related conditions. This variant is present in population databases (no rsID available, gnomAD 0.01%). This sequence change replaces aspartic acid, which is acidic and polar, with valine, which is neutral and non-polar, at codon 1111 of the RYR1 protein (p.Asp1111Val).

NM_000540.3(RYR1):c.3332A>T (p.Asp1111Val)

Gene: RYR1 (ryanodine receptor 1; plus strand). Cytogenetic location: 19q13.2.
Variant type: single nucleotide variant.
Coding change: c.3332A>T on transcript NM_000540.3 (MANE Select); coding-DNA position 3332, A replaced by T.
Protein change: p.Asp1111Val; replaces aspartic acid 1111 with valine.
Molecular consequence: missense variant.
Genome position (GRCh38, 1-based): chr19:38,467,763, A>T. VCF-style: chr19-38467763-A-T. GRCh37 (hg19) VCF-style: chr19-38958403-A-T.
Other names: c.3332A>T, p.Asp1111Val (NM_001042723.2); short protein forms D1111V.
Identifiers: ClinVar variation 1000607 (VCV001000607.11), dbSNP rs948252701, ClinGen allele CA308077071.